The following is an entry in ClinVar:

NM_001035.3(RYR2):c.13498T>C (p.Tyr4500His)

Gene: RYR2 (ryanodine receptor 2; plus strand). Cytogenetic location: 1q43.
Variant type: single nucleotide variant.
Coding change: c.13498T>C on transcript NM_001035.3 (MANE Select); coding-DNA position 13498, T replaced by C.
Protein change: p.Tyr4500His; replaces tyrosine 4500 with histidine.
Molecular consequence: missense variant.
Genome position (GRCh38, 1-based): chr1:237,791,450, T>C. VCF-style: chr1-237791450-T-C. GRCh37 (hg19) VCF-style: chr1-237954750-T-C.
Other names: c.13498T>C (NM_001035.2); short protein forms Y4500H.
Identifiers: ClinVar variation 1509048 (VCV001509048.8), dbSNP rs2149379050, ClinGen allele CA345417057.
Genomic context (GRCh38, chr1:237,791,450, plus strand): 5'-TTGATTCAGTGACCTTTTCATAATGTTTTTCACCCTCAGAACTATTTTGCTCGCAACTTT[T>C]ACAACATGAGAATGTTAGCCTTATTTGTCGCATTTGCTATCAATTTCATCTTGCTCTTTT-3'
Protein context (NP_001026.2, residues 4490-4510): KLLNYFARNF[Tyr4500His]NMRMLALFVA

ClinVar aggregate classification (germline): Uncertain significance. Review status: criteria provided, multiple submitters, no conflicts (2 of 4 stars). 2 submissions from 2 submitters: Uncertain significance (2). Last evaluated 2025-04-01.

Conditions:
Catecholaminergic polymorphic ventricular tachycardia 1. Also called: RYR2-Related Catecholaminergic Polymorphic Ventricular Tachycardia; VENTRICULAR TACHYCARDIA, STRESS-INDUCED POLYMORPHIC 1; VENTRICULAR TACHYCARDIA, CATECHOLAMINERGIC POLYMORPHIC, 1, WITH OR WITHOUT ATRIAL DYSFUNCTION AND/OR DILATED CARDIOMYOPATHY. Identifiers: Orphanet 3286, MedGen C1631597, MONDO:0011484, OMIM 604772.
Cardiovascular phenotype. Identifiers: MedGen CN230736.

Submissions (2):

Ambry Genetics
Classification: Uncertain significance for Cardiovascular phenotype. Last evaluated: 2025-04-01. Review status: criteria provided, single submitter. Criteria: Ambry Variant Classification Scheme 2023. Collection method: clinical testing. Allele origin: germline.
Comment: The p.Y4500H variant (also known as c.13498T>C), located in coding exon 93 of the RYR2 gene, results from a T to C substitution at nucleotide position 13498. The tyrosine at codon 4500 is replaced by histidine, an amino acid with similar properties. This amino acid position is highly conserved in available vertebrate species. In addition, this alteration is predicted to be deleterious by in silico analysis. Based on the available evidence, the clinical significance of this variant remains unclear.

Labcorp Genetics (formerly Invitae), Labcorp
Classification: Uncertain significance for Catecholaminergic polymorphic ventricular tachycardia 1. Last evaluated: 2021-07-31. Review status: criteria provided, single submitter. Criteria: Invitae Variant Classification Sherloc (09022015). Collection method: clinical testing. Allele origin: germline.
Comment: In summary, the available evidence is currently insufficient to determine the role of this variant in disease. Therefore, it has been classified as a Variant of Uncertain Significance. Advanced modeling of protein sequence and biophysical properties (such as structural, functional, and spatial information, amino acid conservation, physicochemical variation, residue mobility, and thermodynamic stability) performed at Invitae indicates that this missense variant is expected to disrupt RYR2 protein function. This variant has not been reported in the literature in individuals affected with RYR2-related conditions. This variant is not present in population databases (ExAC no frequency). This sequence change replaces tyrosine with histidine at codon 4500 of the RYR2 protein (p.Tyr4500His). The tyrosine residue is highly conserved and there is a moderate physicochemical difference between tyrosine and histidine.